The following is an entry in ClinVar:

ClinVar aggregate classification (germline): Pathogenic (1 of 4 stars; one submission).

Conditions:
Familial adenomatous polyposis 1 (FAP1). Also called: FAMILIAL ADENOMATOUS POLYPOSIS 1, ATTENUATED; POLYPOSIS, ADENOMATOUS INTESTINAL. Identifiers: MedGen C2713442, MONDO:0021056, OMIM 175100. Disease mechanism: loss of function.

Submission:

Labcorp Genetics (formerly Invitae), Labcorp
Classification: Pathogenic for Familial adenomatous polyposis 1. Last evaluated: 2024-04-23. Review status: criteria provided, single submitter. Criteria: Invitae Variant Classification Sherloc (09022015). Collection method: clinical testing. Allele origin: germline.
Comment: This sequence change creates a premature translational stop signal (p.Glu1156*) in the APC gene. While this is not anticipated to result in nonsense mediated decay, it is expected to disrupt the last 1688 amino acid(s) of the APC protein. This variant is not present in population databases (gnomAD no frequency). This premature translational stop signal has been observed in individual(s) with familial adenomatous polyposis (PMID: 19444466). ClinVar contains an entry for this variant (Variation ID: 848934). This variant is expected to disrupt the EB1 and HDLG binding sites, which mediate interactions with the cytoskeleton (PMID: 15311282, 17293347). While functional studies have not been performed to directly test the effect on APC protein function, this suggests that disruption of the C-terminal portion of the protein is functionally important. A different truncation (p.Tyr2645Lysfs*14) that lies downstream of this variant has been determined to be pathogenic (PMID: 9824584, 1316610, 27081525, 8381579, 22135120, Invitae). This suggests that deletion of this region of the APC protein is causative of disease. For these reasons, this variant has been classified as Pathogenic.

Literature cited by the submitters: PubMed 19444466; PubMed 15311282; PubMed 17293347; PubMed 9824584; PubMed 1316610; PubMed 27081525; PubMed 8381579; PubMed 22135120.

NM_000038.6(APC):c.3466G>T (p.Glu1156Ter)

Gene: APC (APC regulator of Wnt signaling pathway; plus strand). Cytogenetic location: 5q22.2.
Variant type: single nucleotide variant.
Coding change: c.3466G>T on transcript NM_000038.6 (MANE Select); coding-DNA position 3466, G replaced by T.
Protein change: p.Glu1156Ter; replaces glutamic acid 1156 with a stop codon.
Molecular consequence: nonsense.
Genome position (GRCh38, 1-based): chr5:112,839,060, G>T. VCF-style: chr5-112839060-G-T. GRCh37 (hg19) VCF-style: chr5-112174757-G-T.
Other names: c.3466G>T, p.Glu1156Ter (NM_001127510.3, NM_001354895.2); c.3412G>T, p.Glu1138Ter (NM_001127511.3); c.3520G>T, p.Glu1174Ter (NM_001354896.2); c.3496G>T, p.Glu1166Ter (NM_001354897.2); c.3391G>T, p.Glu1131Ter (NM_001354898.2); c.3382G>T, p.Glu1128Ter (NM_001354899.2); c.3343G>T, p.Glu1115Ter (NM_001354900.2); c.3289G>T, p.Glu1097Ter (NM_001354901.2); and 5 more; short protein forms E1030*, E1065*, E1115*, E1138*, E1156*, E996*, E1097*, E1174*.
Identifiers: ClinVar variation 848934 (VCV000848934.11), dbSNP rs1444797750, ClinGen allele CA16028940.